The following is an entry in ClinVar:

ClinVar aggregate classification (germline): Uncertain significance (1 of 4 stars; one submission).

Conditions:
3-methylglutaconic aciduria, type VIIB (MGCA7B). Also called: 3-methylglutaconic aciduria with cataracts, neurologic involvement and neutropenia; 3-methylglutaconic aciduria, type VII, with cataracts, neurologic involvement and neutropenia; CLPB Deficiency. Identifiers: Orphanet 445038, MedGen C5676893, MONDO:0014561, OMIM 616271.

Allele frequency attached by ClinVar (database versions not stated): ExAC 0.00002; TOPMed 0.00002; ESP Exome Variant Server 0.00008.
gnomAD v4.1: 5 of 1,614,200 alleles (0.00031%); highest among the groups gnomAD compares: African/African-American, 0.0013%; no homozygotes.

Submission:

Labcorp Genetics (formerly Invitae), Labcorp
Classification: Uncertain significance for 3-methylglutaconic aciduria, type VIIB. Last evaluated: 2025-07-30. Review status: criteria provided, single submitter. Criteria: Invitae Variant Classification Sherloc (09022015). Collection method: clinical testing. Allele origin: germline.
Comment: This sequence change replaces valine, which is neutral and non-polar, with alanine, which is neutral and non-polar, at codon 431 of the CLPB protein (p.Val431Ala). This variant is present in population databases (rs138691107, gnomAD 0.004%). This variant has not been reported in the literature in individuals affected with CLPB-related conditions. ClinVar contains an entry for this variant (Variation ID: 1425799). An algorithm developed to predict the effect of missense changes on protein structure and function (PolyPhen-2) suggests that this variant is likely to be disruptive. In summary, the available evidence is currently insufficient to determine the role of this variant in disease. Therefore, it has been classified as a Variant of Uncertain Significance.

NM_001258392.3(CLPB):c.1202T>C (p.Val401Ala)

Genes: CLPB (ClpB family mitochondrial disaggregase; minus strand), LOC126861258 (MED14-independent group 3 enhancer GRCh37_chr11:72012242-72013441; plus strand). Cytogenetic location: 11q13.4.
Variant type: single nucleotide variant.
Coding change: c.1202T>C on transcript NM_001258392.3 (MANE Select); coding-DNA position 1202, T replaced by C.
Protein change: p.Val401Ala; replaces valine 401 with alanine.
Molecular consequence: missense variant.
Genome position (GRCh38, 1-based): chr11:72,301,930, A>G on the plus strand (T>C on the coding strand, the complement: CLPB is on the minus strand). VCF-style: chr11-72301930-A-G. GRCh37 (hg19) VCF-style: chr11-72012974-A-G.
Other names: c.1292T>C, p.Val431Ala (NM_030813.6); c.1115T>C, p.Val372Ala (NM_001258393.3); c.1157T>C, p.Val386Ala (NM_001258394.3); short protein forms V372A, V401A, V431A, V386A.
Identifiers: ClinVar variation 1425799 (VCV001425799.13), dbSNP rs138691107, ClinGen allele CA6171232.